The following is an entry in ClinVar:

NM_002637.4(PHKA1):c.1460-12A>G

Gene: PHKA1 (phosphorylase kinase regulatory subunit alpha 1; minus strand). Cytogenetic location: Xq13.1.
Variant type: single nucleotide variant.
Coding change: c.1460-12A>G on transcript NM_002637.4 (MANE Select); 12 bases into the intron before coding-DNA position 1460, A replaced by G.
Molecular consequence: intron variant.
Genome position (GRCh38, 1-based): chrX:72,636,398, T>C on the plus strand (A>G on the coding strand, the complement: PHKA1 is on the minus strand). VCF-style: chrX-72636398-T-C. GRCh37 (hg19) VCF-style: chrX-71856248-T-C.
Other names: c.1460-12A>G (NM_001172436.2, NM_001122670.2).
Identifiers: ClinVar variation 1988881 (VCV001988881.4), dbSNP rs2053230288, ClinGen allele CA2436834822.

ClinVar aggregate classification (germline): Uncertain significance (1 of 4 stars; one submission).

Conditions:
Glycogen storage disease IXd (GSD9D). Also called: GSD IXd; Muscle Phosphorylase Kinase Deficiency. Identifiers: Orphanet 715, MedGen C1845151, MONDO:0010362, OMIM 300559.

Allele frequency attached by ClinVar (database versions not stated): TOPMed 0.00001.

Submission:

Labcorp Genetics (formerly Invitae), Labcorp
Classification: Uncertain significance for Glycogen storage disease IXd. Last evaluated: 2022-05-26. Review status: criteria provided, single submitter. Criteria: Invitae Variant Classification Sherloc (09022015). Collection method: clinical testing. Allele origin: germline.
Comment: This sequence change falls in intron 14 of the PHKA1 gene. It does not directly change the encoded amino acid sequence of the PHKA1 protein. In summary, the available evidence is currently insufficient to determine the role of this variant in disease. Therefore, it has been classified as a Variant of Uncertain Significance. Algorithms developed to predict the effect of sequence changes on RNA splicing suggest that this variant may disrupt the consensus splice site. This variant has not been reported in the literature in individuals affected with PHKA1-related conditions. This variant is not present in population databases (gnomAD no frequency).